The following is an entry in ClinVar:

NM_001378778.1(MPDZ):c.773T>C (p.Ile258Thr)

Gene: MPDZ (multiple PDZ domain crumbs cell polarity complex component; minus strand). Cytogenetic location: 9p23.
Variant type: single nucleotide variant.
Coding change: c.773T>C on transcript NM_001378778.1 (MANE Select); coding-DNA position 773, T replaced by C.
Protein change: p.Ile258Thr; replaces isoleucine 258 with threonine.
Molecular consequence: missense variant.
Genome position (GRCh38, 1-based): chr9:13,221,475, A>G on the plus strand (T>C on the coding strand, the complement: MPDZ is on the minus strand). VCF-style: chr9-13221475-A-G. GRCh37 (hg19) VCF-style: chr9-13221474-A-G.
Other names: c.773T>C, p.Ile258Thr (NM_001375418.1, NM_001375419.1, NM_001375420.1 and 14 more transcripts); short protein forms I258T.
Identifiers: ClinVar variation 1908303 (VCV001908303.4), dbSNP rs1433380846, ClinGen allele CA372946501.

ClinVar aggregate classification (germline): Uncertain significance (1 of 4 stars; one submission).

Allele frequency attached by ClinVar (database versions not stated): gnomAD 0.00001; gnomAD exomes 0.00002; TOPMed 0.00002.
gnomAD v4.1: 31 of 1,610,588 alleles (0.0019%); highest among the groups gnomAD compares: Non-Finnish European, 0.0023%; no homozygotes.

Submission:

Labcorp Genetics (formerly Invitae), Labcorp
Classification: Uncertain significance. Last evaluated: 2021-12-24. Review status: criteria provided, single submitter. Criteria: Invitae Variant Classification Sherloc (09022015). Collection method: clinical testing. Allele origin: germline.
Comment: This sequence change replaces isoleucine, which is neutral and non-polar, with threonine, which is neutral and polar, at codon 258 of the MPDZ protein (p.Ile258Thr). This variant is present in population databases (no rsID available, gnomAD 0.06%). This variant has not been reported in the literature in individuals affected with MPDZ-related conditions. Algorithms developed to predict the effect of missense changes on protein structure and function (SIFT, PolyPhen-2, Align-GVGD) all suggest that this variant is likely to be disruptive. In summary, the available evidence is currently insufficient to determine the role of this variant in disease. Therefore, it has been classified as a Variant of Uncertain Significance.